The following is an entry in ClinVar:

ClinVar aggregate classification (germline): Uncertain significance. Review status: criteria provided, multiple submitters, no conflicts (2 of 4 stars). 2 submissions from 2 submitters: Uncertain significance (2). Last evaluated 2025-09-15.

Conditions:
TMEM67-related disorder. Also called: TMEM67-related disorders; TMEM67-related condition. Identifiers: MedGen CN239423.

gnomAD v4.1: 1 of 1,613,772 alleles (0.000062%); highest among the groups gnomAD compares: Admixed American, 0.0017%; no homozygotes.

Submissions (2):

PreventionGenetics, part of Exact Sciences
Classification: Uncertain significance for TMEM67-related condition. Last evaluated: 2025-09-15. Review status: criteria provided, single submitter. Criteria: ACMG Guidelines, 2015. Collection method: clinical testing. Allele origin: germline.
Comment: The TMEM67 c.431T>G variant is predicted to result in the amino acid substitution p.Leu144Trp. To our knowledge, this variant has not been reported in the literature. This variant is reported in 0.0029% of alleles in individuals of Latino descent in gnomAD. At this time, the clinical significance of this variant is uncertain due to the absence of conclusive functional and genetic evidence.

GeneDx
Classification: Uncertain significance. Last evaluated: 2024-02-23. Review status: criteria provided, single submitter. Criteria: GeneDx Variant Classification Process June 2021. Collection method: clinical testing. Allele origin: germline. Affected: yes.
Comment: Not observed at significant frequency in large population cohorts (gnomAD); In silico analysis supports that this missense variant has a deleterious effect on protein structure/function; This variant is associated with the following publications: (PMID: Martnez-Garca2022[paper])

NM_153704.6(TMEM67):c.431T>G (p.Leu144Trp)

Gene: TMEM67 (transmembrane protein 67; plus strand). Cytogenetic location: 8q22.1.
Variant type: single nucleotide variant.
Coding change: c.431T>G on transcript NM_153704.6 (MANE Select); coding-DNA position 431, T replaced by G.
Protein change: p.Leu144Trp; replaces leucine 144 with tryptophan.
Molecular consequence: missense variant. On other transcripts: non-coding transcript variant (1).
Genome position (GRCh38, 1-based): chr8:93,763,866, T>G. VCF-style: chr8-93763866-T-G. GRCh37 (hg19) VCF-style: chr8-94776094-T-G.
Other names: c.188T>G, p.Leu63Trp (NM_001142301.1); short protein forms L144W, L63W.
Identifiers: ClinVar variation 3369311 (VCV003369311.2).